The following is an entry in ClinVar:

NM_001267550.2(TTN):c.44913G>C (p.Lys14971Asn)

Gene: TTN (titin; minus strand). Cytogenetic location: 2q31.2.
Variant type: single nucleotide variant.
Coding change: c.44913G>C on transcript NM_001267550.2 (MANE Select); coding-DNA position 44913, G replaced by C.
Protein change: p.Lys14971Asn; replaces lysine 14971 with asparagine.
Molecular consequence: missense variant.
Genome position (GRCh38, 1-based): chr2:178,622,670, C>G on the plus strand (G>C on the coding strand, the complement: TTN is on the minus strand). VCF-style: chr2-178622670-C-G. GRCh37 (hg19) VCF-style: chr2-179487397-C-G.
Other names: c.39990G>C, p.Lys13330Asn (NM_001256850.1); c.17718G>C, p.Lys5906Asn (NM_003319.4); c.37209G>C, p.Lys12403Asn (NM_133378.4); c.18093G>C, p.Lys6031Asn (NM_133432.3); c.18294G>C, p.Lys6098Asn (NM_133437.4); short protein forms K12403N, K14971N, K5906N, K6031N, K6098N, K13330N.
Identifiers: ClinVar variation 646592 (VCV000646592.12), dbSNP rs757693661, ClinGen allele CA60995698.

ClinVar aggregate classification (germline): Uncertain significance. Review status: criteria provided, multiple submitters, no conflicts (2 of 4 stars). 2 submissions from 2 submitters: Uncertain significance (2). Last evaluated 2025-07-29.

Conditions:
Autosomal recessive limb-girdle muscular dystrophy type 2J (LGMDR10). Also called: Limb-girdle muscular dystrophy, type 2J; MUSCULAR DYSTROPHY, LIMB-GIRDLE, AUTOSOMAL RECESSIVE 10. Identifiers: Orphanet 140922, MedGen C1837342, MONDO:0012127, OMIM 608807.
Dilated cardiomyopathy 1G (CMD1G). Identifiers: Orphanet 154, MedGen C1858763, MONDO:0011400, OMIM 604145.
Hypertrophic cardiomyopathy 9. Also called: Familial hypertrophic cardiomyopathy 9. Identifiers: MedGen C1861065, MONDO:0013412, OMIM 613765.
Tibial muscular dystrophy (TMD). Also called: Tibial muscular dystrophy, tardive; Udd Distal Myopathy – Tibial Muscular Dystrophy; UDD MYOPATHY. Identifiers: Orphanet 609, MedGen C1838244, MONDO:0010870, OMIM 600334.
Myopathy, myofibrillar, 9, with early respiratory failure (MFM9). Also called: Hereditary myopathy with early respiratory failure; Myopathy, distal, with early respiratory failure, autosomal dominant; EDSTROM MYOPATHY; MYOPATHY, PROXIMAL, WITH EARLY RESPIRATORY MUSCLE INVOLVEMENT. Identifiers: Orphanet 178464, Orphanet 34521, MedGen C1863599, MONDO:0011362, OMIM 603689.
Early-onset myopathy with fatal cardiomyopathy (CMYO5). Also called: Salih Myopathy; CONGENITAL MYOPATHY 5 WITH CARDIOMYOPATHY. Identifiers: Orphanet 289377, MedGen C2673677, MONDO:0012714, OMIM 611705. Disease mechanism: loss of function.

Allele frequency attached by ClinVar (database versions not stated): gnomAD exomes below 0.00001.
gnomAD v4.1: 3 of 1,602,520 alleles (0.00019%); highest among the groups gnomAD compares: Non-Finnish European, 0.00026%; no homozygotes.

Submissions (2):

Labcorp Genetics (formerly Invitae), Labcorp
Classification: Uncertain significance for Dilated cardiomyopathy 1G; Autosomal recessive limb-girdle muscular dystrophy type 2J. Last evaluated: 2025-07-29. Review status: criteria provided, single submitter. Criteria: Invitae Variant Classification Sherloc (09022015). Collection method: clinical testing. Allele origin: germline.
Comment: This sequence change replaces lysine, which is basic and polar, with asparagine, which is neutral and polar, at codon 14971 of the TTN protein (p.Lys14971Asn). This variant also falls at the last nucleotide of exon 243, which is part of the consensus splice site for this exon. This variant is not present in population databases (gnomAD no frequency). This variant has not been reported in the literature in individuals affected with TTN-related conditions. ClinVar contains an entry for this variant (Variation ID: 646592). Experimental studies and prediction algorithms are not available or were not evaluated, and the functional significance of this variant is currently unknown. Variants that disrupt the consensus splice site are a relatively common cause of aberrant splicing (PMID: 17576681, 9536098). Algorithms developed to predict the effect of sequence changes on RNA splicing suggest that this variant may disrupt the consensus splice site. This variant is located in the I band of TTN (PMID: 25589632). Non-truncating variants in this region may be clinically relevant, but have not been definitively shown to cause cardiomyopathy or neuromuscular disease (PMID: 27493940, 32778822). In summary, the available evidence is currently insufficient to determine the role of this variant in disease. Therefore, it has been classified as a Variant of Uncertain Significance.

Fulgent Genetics
Classification: Uncertain significance for Tibial muscular dystrophy; Myopathy, myofibrillar, 9, with early respiratory failure; Dilated cardiomyopathy 1G; Autosomal recessive limb-girdle muscular dystrophy type 2J; Early-onset myopathy with fatal cardiomyopathy; Hypertrophic cardiomyopathy 9. Last evaluated: 2022-04-18. Review status: criteria provided, single submitter. Criteria: ACMG Guidelines, 2015. Collection method: clinical testing. Allele origin: unknown.

Literature cited by the submitters: PubMed 17576681 (cited by Labcorp Genetics (formerly Invitae), Labcorp); PubMed 9536098 (cited by Labcorp Genetics (formerly Invitae), Labcorp); PubMed 25589632 (cited by Labcorp Genetics (formerly Invitae), Labcorp); PubMed 27493940 (cited by Labcorp Genetics (formerly Invitae), Labcorp); PubMed 32778822 (cited by Labcorp Genetics (formerly Invitae), Labcorp).